The following is an entry in ClinVar:

ClinVar aggregate classification (germline): Pathogenic (1 of 4 stars; one submission).

Conditions:
Inborn genetic diseases. Identifiers: MedGen C0950123, MeSH D030342.
Ocular cystinosis. Also called: Non-Nephropathic Cystinosis; Non-Nephropathic (Ocular) Cystinosis. Identifiers: Orphanet 213, Orphanet 411641, MedGen C2931013, MONDO:0009064, OMIM 219750.
Juvenile nephropathic cystinosis. Also called: Intermediate Cystinosis; CYSTINOSIS, LATE-ONSET JUVENILE OR ADOLESCENT NEPHROPATHIC TYPE; Later-Onset (Juvenile) Cystinosis. Identifiers: Orphanet 213, Orphanet 411634, MedGen C0268626, MONDO:0009066, OMIM 219900.

Submission:

Labcorp Genetics (formerly Invitae), Labcorp
Classification: Pathogenic for Inborn genetic diseases; Ocular cystinosis; Juvenile nephropathic cystinosis. Last evaluated: 2023-04-14. Review status: criteria provided, single submitter. Criteria: Invitae Variant Classification Sherloc (09022015). Collection method: clinical testing. Allele origin: germline.
Comment: This variant has not been reported in the literature in individuals affected with CTNS-related conditions. For these reasons, this variant has been classified as Pathogenic. This variant is not present in population databases (gnomAD no frequency). This sequence change creates a premature translational stop signal (p.Ile69Serfs*14) in the CTNS gene. It is expected to result in an absent or disrupted protein product. Loss-of-function variants in CTNS are known to be pathogenic (PMID: 9537412, 27102039).

Literature cited by the submitters: PubMed 9537412; PubMed 27102039.

NM_004937.3(CTNS):c.204del (p.Ile69fs)

Gene: CTNS (cystinosin, lysosomal cystine transporter; plus strand). Cytogenetic location: 17p13.2.
Variant type: Deletion.
Coding change: c.204del on transcript NM_004937.3 (MANE Select); coding-DNA position 204, one base deleted (T; older notation c.204delT).
Protein change: p.Ile69fs; shifts the reading frame from isoleucine 69.
Molecular consequence: frameshift variant. On other transcripts: 5 prime UTR variant (1), intron variant (3).
Genome position (GRCh38, 1-based): chr17:3,648,910, T deleted. VCF-style (leftmost placement, unchanged base first): chr17-3648909-CT-C. GRCh37 (hg19) VCF-style: chr17-3552203-CT-C.
Other names: c.204del, p.Ile69fs (NM_001031681.3, NM_001374492.1); c.-238del (NM_001374494.1); c.-217+1388del (NM_001374493.1, NM_001374496.1); c.-216-6088del (NM_001374495.1); short protein forms I69fs.
Identifiers: ClinVar variation 2946687 (VCV002946687.3), dbSNP rs2507697337, ClinGen allele CA2740095186.